The following is an entry in ClinVar:

NM_001256715.2(DNAAF3):c.1237C>T (p.Arg413Trp)

Genes: DNAAF3 (dynein axonemal assembly factor 3; minus strand), DNAAF3-AS1 (DNAAF3 antisense RNA 1; plus strand). Cytogenetic location: 19q13.42.
Variant type: single nucleotide variant.
Coding change: c.1237C>T on transcript NM_001256715.2 (MANE Select); coding-DNA position 1237, C replaced by T.
Protein change: p.Arg413Trp; replaces arginine 413 with tryptophan.
Molecular consequence: missense variant.
Genome position (GRCh38, 1-based): chr19:55,159,534, G>A on the plus strand (C>T on the coding strand, the complement: DNAAF3 is on the minus strand). VCF-style: chr19-55159534-G-A. GRCh37 (hg19) VCF-style: chr19-55670902-G-A.
Other names: c.1438C>T, p.Arg480Trp (NM_001256714.1); c.1075C>T, p.Arg359Trp (NM_001256716.2); c.1378C>T, p.Arg460Trp (NM_178837.4); short protein forms R359W, R480W, R413W, R460W.
Identifiers: ClinVar variation 663573 (VCV000663573.9), dbSNP rs747247157, ClinGen allele CA9667842.

ClinVar aggregate classification (germline): Uncertain significance (1 of 4 stars; one submission).

Conditions:
Primary ciliary dyskinesia. Also called: Ciliary dyskinesia. Identifiers: Orphanet 244, MedGen C0008780, MONDO:0016575, HP:0012265.

Allele frequency attached by ClinVar (database versions not stated): TOPMed below 0.00001; gnomAD 0.00001; ExAC 0.00002; gnomAD exomes 0.00002.
gnomAD v4.1: 25 of 1,597,066 alleles (0.0016%); highest among the groups gnomAD compares: South Asian, 0.0057%; no homozygotes.

Submission:

Labcorp Genetics (formerly Invitae), Labcorp
Classification: Uncertain significance for Primary ciliary dyskinesia. Last evaluated: 2022-01-05. Review status: criteria provided, single submitter. Criteria: Invitae Variant Classification Sherloc (09022015). Collection method: clinical testing. Allele origin: germline.
Comment: In summary, the available evidence is currently insufficient to determine the role of this variant in disease. Therefore, it has been classified as a Variant of Uncertain Significance. Algorithms developed to predict the effect of missense changes on protein structure and function are either unavailable or do not agree on the potential impact of this missense change (SIFT: "Deleterious"; PolyPhen-2: "Probably Damaging"; Align-GVGD: "Class C0"). ClinVar contains an entry for this variant (Variation ID: 663573). This variant has not been reported in the literature in individuals affected with DNAAF3-related conditions. This variant is present in population databases (rs747247157, gnomAD 0.008%). This sequence change replaces arginine, which is basic and polar, with tryptophan, which is neutral and slightly polar, at codon 480 of the DNAAF3 protein (p.Arg480Trp).